The following is an entry in ClinVar:

ClinVar aggregate classification (germline): Uncertain significance (1 of 4 stars; one submission).

Conditions:
Familial cancer of breast. Also called: BREAST CANCER, FAMILIAL; Hereditary breast cancer; hereditary breast carcinoma. Identifiers: Orphanet 227535, MedGen C0346153, MONDO:0016419, OMIM 114480. Disease mechanism: loss of function.
Fanconi anemia complementation group J. Also called: BRIP1-Related Fanconi Anemia. Identifiers: Orphanet 84, MedGen C1836860, MONDO:0012187, OMIM 609054.

Submission:

Labcorp Genetics (formerly Invitae), Labcorp
Classification: Uncertain significance for Familial cancer of breast; Fanconi anemia complementation group J. Last evaluated: 2022-04-21. Review status: criteria provided, single submitter. Criteria: Invitae Variant Classification Sherloc (09022015). Collection method: clinical testing. Allele origin: germline.
Comment: In summary, the available evidence is currently insufficient to determine the role of this variant in disease. Therefore, it has been classified as a Variant of Uncertain Significance. Algorithms developed to predict the effect of missense changes on protein structure and function output the following: SIFT: "Tolerated"; PolyPhen-2: "Benign"; Align-GVGD: "Class C0". The histidine amino acid residue is found in multiple mammalian species, which suggests that this missense change does not adversely affect protein function. This variant has not been reported in the literature in individuals affected with BRIP1-related conditions. This variant is not present in population databases (gnomAD no frequency). This sequence change replaces glutamine, which is neutral and polar, with histidine, which is basic and polar, at codon 561 of the BRIP1 protein (p.Gln561His).

NM_032043.3(BRIP1):c.1683G>T (p.Gln561His)

Gene: BRIP1 (BRCA1 interacting DNA helicase 1; minus strand). Cytogenetic location: 17q23.2.
Variant type: single nucleotide variant.
Coding change: c.1683G>T on transcript NM_032043.3 (MANE Select); coding-DNA position 1683, G replaced by T.
Protein change: p.Gln561His; replaces glutamine 561 with histidine.
Molecular consequence: missense variant.
Genome position (GRCh38, 1-based): chr17:61,780,951, C>A on the plus strand (G>T on the coding strand, the complement: BRIP1 is on the minus strand). VCF-style: chr17-61780951-C-A. GRCh37 (hg19) VCF-style: chr17-59858312-C-A.
Other names: short protein forms Q561H.
Identifiers: ClinVar variation 2128770 (VCV002128770.4), dbSNP rs1209325148, ClinGen allele CA400480473.